The following is an entry in ClinVar:

ClinVar aggregate classification (germline): Uncertain significance (1 of 4 stars; one submission).

Conditions:
Hereditary nonpolyposis colorectal neoplasms. Identifiers: MedGen C0009405, MeSH D003123.

Submission:

Labcorp Genetics (formerly Invitae), Labcorp
Classification: Uncertain significance for Hereditary nonpolyposis colorectal neoplasms. Last evaluated: 2022-08-22. Review status: criteria provided, single submitter. Criteria: Invitae Variant Classification Sherloc (09022015). Collection method: clinical testing. Allele origin: germline.
Comment: In summary, the available evidence is currently insufficient to determine the role of this variant in disease. Therefore, it has been classified as a Variant of Uncertain Significance. Algorithms developed to predict the effect of missense changes on protein structure and function are either unavailable or do not agree on the potential impact of this missense change (SIFT: "Deleterious"; PolyPhen-2: "Probably Damaging"; Align-GVGD: "Class C0"). This variant has not been reported in the literature in individuals affected with MSH6-related conditions. This variant is not present in population databases (gnomAD no frequency). This sequence change replaces aspartic acid, which is acidic and polar, with tyrosine, which is neutral and polar, at codon 262 of the MSH6 protein (p.Asp262Tyr).

NM_000179.3(MSH6):c.784G>T (p.Asp262Tyr)

Gene: MSH6 (mutS homolog 6; plus strand). Cytogenetic location: 2p16.3.
Variant type: single nucleotide variant.
Coding change: c.784G>T on transcript NM_000179.3 (MANE Select); coding-DNA position 784, G replaced by T.
Protein change: p.Asp262Tyr; replaces aspartic acid 262 with tyrosine.
Molecular consequence: missense variant. On other transcripts: 5 prime UTR variant (2).
Genome position (GRCh38, 1-based): chr2:47,798,767, G>T. VCF-style: chr2-47798767-G-T. GRCh37 (hg19) VCF-style: chr2-48025906-G-T.
Other names: c.394G>T, p.Asp132Tyr (NM_001281492.2); c.-123G>T (NM_001281493.2, NM_001281494.2, NM_001406811.1 and 6 more transcripts); c.880G>T, p.Asp294Tyr (NM_001406795.1, NM_001406802.1); c.784G>T, p.Asp262Tyr (NM_001406796.1, NM_001406798.1, NM_001406817.1 and 4 more transcripts); c.487G>T, p.Asp163Tyr (NM_001406797.1, NM_001406818.1, NM_001406819.1 and 10 more transcripts); c.259G>T, p.Asp87Tyr (NM_001406799.1, NM_001406806.1, NM_001406807.1); c.790G>T, p.Asp264Tyr (NM_001406813.1); c.616G>T, p.Asp206Tyr (NM_001406826.1); and 1 more; short protein forms D132Y, D163Y, D206Y, D236Y, D262Y, D264Y, D294Y, D87Y.
Identifiers: ClinVar variation 1717559 (VCV001717559.6), dbSNP rs1572720344, ClinGen allele CA346740259.